The following is an entry in ClinVar:

ClinVar aggregate classification (germline): Conflicting classifications of pathogenicity. Review status: criteria provided, conflicting classifications (1 of 4 stars). 3 submissions from 3 submitters: Uncertain significance (1); Likely benign (2). Last evaluated 2024-08-29.

Conditions:
Hereditary cancer-predisposing syndrome. Also called: Hereditary Cancer Syndrome; Hereditary neoplastic syndrome; Neoplastic Syndromes, Hereditary; Tumor predisposition. Identifiers: Orphanet 140162, MedGen C0027672, MeSH D009386, MONDO:0015356.
Hereditary breast ovarian cancer syndrome. Also called: Hereditary breast and ovarian cancer syndrome; Hereditary breast and ovarian cancer; Breast and ovarian cancer; BRCA1- and BRCA2-Associated Hereditary Breast and Ovarian Cancer; Hereditary breast and/or ovarian cancer syndrome; Hereditary breast and ovarian cancer syndrome (HBOC). Identifiers: Orphanet 145, MedGen C0677776, MeSH D061325, MONDO:0003582. Disease mechanism: loss of function.

Allele frequency attached by ClinVar (database versions not stated): gnomAD below 0.00001 and 0.00001; gnomAD exomes 0.00001 and 0.00002; ExAC 0.00003.
gnomAD v4.1: 20 of 1,611,392 alleles (0.0012%); highest among the groups gnomAD compares: South Asian, 0.022%; no homozygotes.

Submissions (3):

Labcorp Genetics (formerly Invitae), Labcorp
Classification: Likely benign for Hereditary breast ovarian cancer syndrome. Last evaluated: 2024-08-29. Review status: criteria provided, single submitter. Criteria: Invitae Variant Classification Sherloc (09022015). Collection method: clinical testing. Allele origin: germline.

Color Diagnostics, LLC DBA Color Health
Classification: Uncertain significance for Hereditary cancer-predisposing syndrome. Last evaluated: 2019-11-06. Review status: criteria provided, single submitter. Criteria: ACMG Guidelines, 2015. Collection method: clinical testing. Allele origin: germline.
Comment: This variant is located in the 5’ untranslated region of the BRCA2 gene. Splice site prediction tools suggest that this variant may not impact RNA splicing. To our knowledge, functional studies have not been performed for this variant. This variant has not been reported in individuals affected with hereditary cancer in the literature. This variant has been identified in 6/251134 chromosomes in the general population by the Genome Aggregation Database (gnomAD). The available evidence is insufficient to determine the role of this variant in disease conclusively. Therefore, this variant is classified as a Variant of Uncertain Significance.

GeneDx
Classification: Likely benign. Last evaluated: 2016-06-08. Review status: criteria provided, single submitter. Criteria: GeneDx Variant Classification (06012015). Collection method: clinical testing. Allele origin: germline. Affected: yes.
Comment: This variant is considered likely benign or benign based on one or more of the following criteria: it is a conservative change, it occurs at a poorly conserved position in the protein, it is predicted to be benign by multiple in silico algorithms, and/or has population frequency not consistent with disease.

NM_000059.4(BRCA2):c.-10G>C

Gene: BRCA2 (BRCA2 DNA repair associated; plus strand). Cytogenetic location: 13q13.1.
Variant type: single nucleotide variant.
Coding change: c.-10G>C on transcript NM_000059.4 (MANE Select); 10 bases upstream of the start codon, G replaced by C.
Molecular consequence: 5 prime UTR variant.
Genome position (GRCh38, 1-based): chr13:32,316,451, G>C. VCF-style: chr13-32316451-G-C. GRCh37 (hg19) VCF-style: chr13-32890588-G-C.
Identifiers: ClinVar variation 386906 (VCV000386906.13), dbSNP rs754814638, ClinGen allele CA6940302.